The following is an entry in ClinVar:

NM_031475.3(ESPN):c.2456G>A (p.Arg819Gln)

Gene: ESPN (espin; plus strand). Cytogenetic location: 1p36.31.
Variant type: single nucleotide variant.
Coding change: c.2456G>A on transcript NM_031475.3 (MANE Select); coding-DNA position 2456, G replaced by A.
Protein change: p.Arg819Gln; replaces arginine 819 with glutamine.
Molecular consequence: missense variant.
Genome position (GRCh38, 1-based): chr1:6,460,037, G>A. VCF-style: chr1-6460037-G-A. GRCh37 (hg19) VCF-style: chr1-6520097-G-A.
Other names: c.2366G>A, p.Arg789Gln (NM_001367473.1); c.2393G>A, p.Arg798Gln (NM_001367474.1); short protein forms R798Q, R789Q, R819Q.
Identifiers: ClinVar variation 2015539 (VCV002015539.4), dbSNP rs1557722439, ClinGen allele CA338103743.

ClinVar aggregate classification (germline): Uncertain significance (1 of 4 stars; one submission).

Allele frequency attached by ClinVar (database versions not stated): gnomAD 0.00001.
gnomAD v4.1: 3 of 1,613,424 alleles (0.00019%); highest among the groups gnomAD compares: Admixed American, 0.0017%; no homozygotes.

Submission:

Labcorp Genetics (formerly Invitae), Labcorp
Classification: Uncertain significance. Last evaluated: 2024-01-24. Review status: criteria provided, single submitter. Criteria: Invitae Variant Classification Sherloc (09022015). Collection method: clinical testing. Allele origin: germline.
Comment: This sequence change replaces arginine, which is basic and polar, with glutamine, which is neutral and polar, at codon 819 of the ESPN protein (p.Arg819Gln). This variant is not present in population databases (gnomAD no frequency). This variant has not been reported in the literature in individuals affected with ESPN-related conditions. ClinVar contains an entry for this variant (Variation ID: 2015539). An algorithm developed to predict the effect of missense changes on protein structure and function (PolyPhen-2) suggests that this variant is likely to be disruptive. In summary, the available evidence is currently insufficient to determine the role of this variant in disease. Therefore, it has been classified as a Variant of Uncertain Significance.